The following is an entry in ClinVar:

ClinVar aggregate classification (germline): Uncertain significance. Review status: criteria provided, multiple submitters, no conflicts (2 of 4 stars). 3 submissions from 3 submitters: Uncertain significance (3). Last evaluated 2025-12-15.

Conditions:
Inborn genetic diseases. Identifiers: MedGen C0950123, MeSH D030342.

Allele frequency attached by ClinVar (database versions not stated): ESP Exome Variant Server 0.00008; 1000 Genomes Project 30x 0.00031.

Submissions (3):

Women's Health and Genetics/Laboratory Corporation of America, LabCorp
Classification: Uncertain significance. Last evaluated: 2025-12-15. Review status: criteria provided, single submitter. Criteria: LabCorp Variant Classification Summary - May 2015. Collection method: clinical testing. Allele origin: germline.
Comment: Variant summary: NALCN c.2173G>A (p.Ala725Thr) results in a non-conservative amino acid change in the encoded protein sequence. Algorithms developed to predict the effect of missense changes on protein structure and function all suggest that this variant is likely to be disruptive. The variant allele was found at a frequency of 4.4e-05 in 251262 control chromosomes. This frequency is not significantly higher than estimated for disease-causing variants in NALCN, allowing no conclusion about variant significance. To our knowledge, no occurrence of c.2173G>A in individuals affected with NALCN-related conditions and no experimental evidence demonstrating its impact on protein function have been reported. ClinVar contains an entry for this variant (Variation ID: 2977687). Based on the evidence outlined above, the variant was classified as uncertain significance.

Ambry Genetics
Classification: Uncertain significance for Inborn genetic diseases. Last evaluated: 2025-08-01. Review status: criteria provided, single submitter. Criteria: Ambry Variant Classification Scheme 2023. Collection method: clinical testing. Allele origin: germline.

Labcorp Genetics (formerly Invitae), Labcorp
Classification: Uncertain significance. Last evaluated: 2024-08-15. Review status: criteria provided, single submitter. Criteria: Invitae Variant Classification Sherloc (09022015). Collection method: clinical testing. Allele origin: germline.
Comment: This sequence change replaces alanine, which is neutral and non-polar, with threonine, which is neutral and polar, at codon 725 of the NALCN protein (p.Ala725Thr). This variant is present in population databases (rs201135494, gnomAD 0.007%). This variant has not been reported in the literature in individuals affected with NALCN-related conditions. Invitae Evidence Modeling of protein sequence and biophysical properties (such as structural, functional, and spatial information, amino acid conservation, physicochemical variation, residue mobility, and thermodynamic stability) indicates that this missense variant is not expected to disrupt NALCN protein function with a negative predictive value of 80%. In summary, the available evidence is currently insufficient to determine the role of this variant in disease. Therefore, it has been classified as a Variant of Uncertain Significance.

NM_052867.4(NALCN):c.2173G>A (p.Ala725Thr)

Gene: NALCN (sodium leak channel, non-selective; minus strand). Cytogenetic location: 13q33.1.
Variant type: single nucleotide variant.
Coding change: c.2173G>A on transcript NM_052867.4 (MANE Select); coding-DNA position 2173, G replaced by A.
Protein change: p.Ala725Thr; replaces alanine 725 with threonine.
Molecular consequence: missense variant.
Genome position (GRCh38, 1-based): chr13:101,124,627, C>T on the plus strand (G>A on the coding strand, the complement: NALCN is on the minus strand). VCF-style: chr13-101124627-C-T. GRCh37 (hg19) VCF-style: chr13-101776978-C-T.
Other names: c.2173G>A, p.Ala725Thr (NM_001350748.2, NM_001350749.2); c.2086G>A, p.Ala696Thr (NM_001350750.2, NM_001350751.2); c.2173G>A (NM_052867.2); short protein forms A725T, A696T.
Identifiers: ClinVar variation 2977687 (VCV002977687.7), dbSNP rs201135494, ClinGen allele CA7035901.